The following is an entry in ClinVar:

ClinVar aggregate classification (germline): Likely benign (0 of 4 stars; one submission).

Conditions:
FGFR3-related disorder. Also called: FGFR3-related disorders.

Submission:

PreventionGenetics, part of Exact Sciences
Classification: Likely benign for FGFR3-related condition. Last evaluated: 2020-03-24. Review status: no assertion criteria provided. Collection method: clinical testing. Allele origin: germline.
Comment: This variant is classified as likely benign based on ACMG/AMP sequence variant interpretation guidelines (Richards et al. 2015 PMID: 25741868, with internal and published modifications).

NM_000142.5(FGFR3):c.931-6_931-5del

Gene: FGFR3 (fibroblast growth factor receptor 3; plus strand). Cytogenetic location: 4p16.3.
Variant type: Deletion.
Coding change: c.931-6_931-5del on transcript NM_000142.5 (MANE Select); 6 bases into the intron before coding-DNA position 931 through 5 bases into the intron before coding-DNA position 931, 2 bases deleted (TT; older notation c.931-6_931-5delTT).
Molecular consequence: intron variant.
Genome position (GRCh38, 1-based): chr4:1,803,686-1,803,687, TT deleted; deleting any 2 consecutive bases within chr4:1,803,685-1,803,687 gives the same sequence; the c. name uses the placement nearest the transcript's 3' end. VCF-style (leftmost placement, unchanged base first): chr4-1803684-CTT-C. GRCh37 (hg19) VCF-style: chr4-1805411-CTT-C.
Other names: c.1081+622_1081+623del (NM_001163213.2); c.931-6_931-5del (NM_001354809.2, NM_001354810.2); c.931-1138_931-1137del (NM_022965.4).
Identifiers: ClinVar variation 3047089 (VCV003047089.2), dbSNP rs2546817169, ClinGen allele CA2669563798.
Genomic context (GRCh38, chr4:1,803,684, plus strand): 5'-TGTGGACTCTGTGCGGTGCCCGCAGGGCGGTGCTGGCGCTCGCCTATCGCTCTGCTCTCT[CTT>C]TGTAGACGGCGGGCGCTAACACCACCGACAAGGAGCTAGAGGTTCTCTCCTTGCACAACG-3'